The following is an entry in ClinVar:

NM_001364905.1(LRBA):c.5305+3G>A

Gene: LRBA (LPS responsive beige-like anchor protein; minus strand). Cytogenetic location: 4q31.3.
Variant type: single nucleotide variant.
Coding change: c.5305+3G>A on transcript NM_001364905.1 (MANE Select); 3 bases into the intron after coding-DNA position 5305, G replaced by A.
Molecular consequence: intron variant.
Genome position (GRCh38, 1-based): chr4:150,817,121, C>T on the plus strand (G>A on the coding strand, the complement: LRBA is on the minus strand). VCF-style: chr4-150817121-C-T. GRCh37 (hg19) VCF-style: chr4-151738273-C-T.
Other names: c.5305+3G>A (NM_001367550.1, NM_006726.5, NM_001199282.3 and 2 more transcripts).
Identifiers: ClinVar variation 944797 (VCV000944797.5), dbSNP rs1744714356, ClinGen allele CA1069444730.

ClinVar aggregate classification (germline): Uncertain significance (1 of 4 stars; one submission).

Conditions:
Combined immunodeficiency due to LRBA deficiency. Also called: Common variable immunodeficiency 8, with autoimmunity. Identifiers: Orphanet 445018, MedGen C3553512, MONDO:0013863, OMIM 614700.

Allele frequency attached by ClinVar (database versions not stated): gnomAD exomes 0.00002; gnomAD 0.00001.
gnomAD v4.1: 10 of 1,610,710 alleles (0.00062%); highest among the groups gnomAD compares: Non-Finnish European, 0.00085%; no homozygotes.

Submission:

Labcorp Genetics (formerly Invitae), Labcorp
Classification: Uncertain significance for Combined immunodeficiency due to LRBA deficiency. Last evaluated: 2022-10-13. Review status: criteria provided, single submitter. Criteria: Invitae Variant Classification Sherloc (09022015). Collection method: clinical testing. Allele origin: germline.
Comment: Variants that disrupt the consensus splice site are a relatively common cause of aberrant splicing (PMID: 17576681, 9536098). Algorithms developed to predict the effect of sequence changes on RNA splicing suggest that this variant is not likely to affect RNA splicing. ClinVar contains an entry for this variant (Variation ID: 944797). This variant has not been reported in the literature in individuals affected with LRBA-related conditions. This variant is not present in population databases (gnomAD no frequency). This sequence change falls in intron 31 of the LRBA gene. It does not directly change the encoded amino acid sequence of the LRBA protein. It affects a nucleotide within the consensus splice site. In summary, the available evidence is currently insufficient to determine the role of this variant in disease. Therefore, it has been classified as a Variant of Uncertain Significance.

Literature cited by the submitters: PubMed 17576681; PubMed 9536098.